The following is an entry in ClinVar:

ClinVar aggregate classification (germline): Conflicting classifications of pathogenicity. Review status: criteria provided, conflicting classifications (1 of 4 stars). 2 submissions from 2 submitters: Uncertain significance (1); Likely benign (1). Last evaluated 2026-01-02.

Conditions:
Hereditary cancer-predisposing syndrome. Also called: Hereditary Cancer Syndrome; Tumor predisposition; Hereditary neoplastic syndrome; Neoplastic Syndromes, Hereditary. Identifiers: Orphanet 140162, MedGen C0027672, MeSH D009386, MONDO:0015356.

Submissions (2):

Labcorp Genetics (formerly Invitae), Labcorp
Classification: Uncertain significance. Last evaluated: 2026-01-02. Review status: criteria provided, single submitter. Criteria: Invitae Variant Classification Sherloc (09022015). Collection method: clinical testing. Allele origin: germline.
Comment: This sequence change replaces serine, which is neutral and polar, with threonine, which is neutral and polar, at codon 1208 of the POLE protein (p.Ser1208Thr). This variant is not present in population databases (gnomAD no frequency). This variant has not been reported in the literature in individuals affected with POLE-related conditions. ClinVar contains an entry for this variant (Variation ID: 1044621). Invitae Evidence Modeling of protein sequence and biophysical properties (such as structural, functional, and spatial information, amino acid conservation, physicochemical variation, residue mobility, and thermodynamic stability) indicates that this missense variant is not expected to disrupt POLE protein function with a negative predictive value of 80%. In summary, the available evidence is currently insufficient to determine the role of this variant in disease. Therefore, it has been classified as a Variant of Uncertain Significance.

Ambry Genetics
Classification: Likely benign for Hereditary cancer-predisposing syndrome. Last evaluated: 2025-01-19. Review status: criteria provided, single submitter. Criteria: Ambry Variant Classification Scheme 2023. Collection method: clinical testing. Allele origin: germline.

NM_006231.4(POLE):c.3623G>C (p.Ser1208Thr)

Gene: POLE (DNA polymerase epsilon, catalytic subunit; minus strand). Cytogenetic location: 12q24.33.
Variant type: single nucleotide variant.
Coding change: c.3623G>C on transcript NM_006231.4 (MANE Select); coding-DNA position 3623, G replaced by C.
Protein change: p.Ser1208Thr; replaces serine 1208 with threonine.
Molecular consequence: missense variant.
Genome position (GRCh38, 1-based): chr12:132,649,849, C>G on the plus strand (G>C on the coding strand, the complement: POLE is on the minus strand). VCF-style: chr12-132649849-C-G. GRCh37 (hg19) VCF-style: chr12-133226435-C-G.
Other names: c.3623G>C (NM_006231.2); short protein forms S1208T.
Identifiers: ClinVar variation 1044621 (VCV001044621.8), dbSNP rs781094608, ClinGen allele CA387386942.
Genomic context (GRCh38, chr12:132,649,849, plus strand): 5'-GTGACAGGGGCTGCTGGGTGAGGCAGCTTTACGAGGCCGAAGTCCTCCATGTCAGGAGCA[C>G]TTGGCCTCGGACTGTCTTCTGAGGCCTCGGCCATCGTGACCTGGAAAGACCCAGTGAAGC-3'
Protein context (NP_006222.2, residues 1198-1218): AEASEDSPRP[Ser1208Thr]APDMEDFGLV